The following is an entry in ClinVar:

ClinVar aggregate classification (germline): Uncertain significance. Review status: criteria provided, multiple submitters, no conflicts (2 of 4 stars). 2 submissions from 2 submitters: Uncertain significance (2). Last evaluated 2023-06-02.

Conditions:
Developmental and epileptic encephalopathy, 53. Also called: Epileptic encephalopathy, early infantile, 53. Identifiers: MedGen C4479313, MONDO:0033362, OMIM 617389.
Early-onset Parkinson disease 20. Also called: PARKINSON DISEASE 20, AUTOSOMAL RECESSIVE EARLY-ONSET. Identifiers: Orphanet 391411, MedGen C3809824, MONDO:0014233, OMIM 615530.
Inborn genetic diseases. Identifiers: MedGen C0950123, MeSH D030342.

Submissions (2):

Ambry Genetics
Classification: Uncertain significance for Inborn genetic diseases. Last evaluated: 2023-06-02. Review status: criteria provided, single submitter. Criteria: Ambry Variant Classification Scheme 2023. Collection method: clinical testing. Allele origin: germline.

Labcorp Genetics (formerly Invitae), Labcorp
Classification: Uncertain significance for Developmental and epileptic encephalopathy, 53; Early-onset Parkinson disease 20. Last evaluated: 2022-03-19. Review status: criteria provided, single submitter. Criteria: Invitae Variant Classification Sherloc (09022015). Collection method: clinical testing. Allele origin: germline.
Comment: In summary, the available evidence is currently insufficient to determine the role of this variant in disease. Therefore, it has been classified as a Variant of Uncertain Significance. This variant has not been reported in the literature in individuals affected with SYNJ1-related conditions. ClinVar contains an entry for this variant (Variation ID: 642097). Algorithms developed to predict the effect of missense changes on protein structure and function are either unavailable or do not agree on the potential impact of this missense change (SIFT: "Deleterious"; PolyPhen-2: "Probably Damaging"; Align-GVGD: "Class C0"). This sequence change replaces alanine, which is neutral and non-polar, with threonine, which is neutral and polar, at codon 636 of the SYNJ1 protein (p.Ala636Thr). This variant is not present in population databases (gnomAD no frequency).

NM_203446.3(SYNJ1):c.1789G>A (p.Ala597Thr)

Gene: SYNJ1 (synaptojanin 1; minus strand). Cytogenetic location: 21q22.11.
Variant type: single nucleotide variant.
Coding change: c.1789G>A on transcript NM_203446.3 (MANE Select); coding-DNA position 1789, G replaced by A.
Protein change: p.Ala597Thr; replaces alanine 597 with threonine.
Molecular consequence: missense variant.
Genome position (GRCh38, 1-based): chr21:32,670,310, C>T on the plus strand (G>A on the coding strand, the complement: SYNJ1 is on the minus strand). VCF-style: chr21-32670310-C-T. GRCh37 (hg19) VCF-style: chr21-34042620-C-T.
Other names: c.1789G>A, p.Ala597Thr (NM_001160302.2); c.1774G>A, p.Ala592Thr (NM_001160306.2); c.1906G>A, p.Ala636Thr (NM_003895.4); short protein forms A592T, A597T, A636T.
Identifiers: ClinVar variation 642097 (VCV000642097.11), dbSNP rs1601363222, ClinGen allele CA410083459.